The following is an entry in ClinVar:

ClinVar aggregate classification (germline): Uncertain significance (1 of 4 stars; one submission).

Allele frequency attached by ClinVar (database versions not stated): gnomAD 0.00007 and 0.00009; TOPMed 0.00012.
gnomAD v4.1: 25 of 1,613,462 alleles (0.0015%); highest among the groups gnomAD compares: Admixed American, 0.017%; no homozygotes.

Submission:

Labcorp Genetics (formerly Invitae), Labcorp
Classification: Uncertain significance. Last evaluated: 2022-07-26. Review status: criteria provided, single submitter. Criteria: Invitae Variant Classification Sherloc (09022015). Collection method: clinical testing. Allele origin: germline.
Comment: This sequence change falls in intron 49 of the ABCA4 gene. It does not directly change the encoded amino acid sequence of the ABCA4 protein. It affects a nucleotide within the consensus splice site. This variant is present in population databases (rs774815742, gnomAD 0.008%). This variant has not been reported in the literature in individuals affected with ABCA4-related conditions. ClinVar contains an entry for this variant (Variation ID: 1359129). Variants that disrupt the consensus splice site are a relatively common cause of aberrant splicing (PMID: 17576681, 9536098). Algorithms developed to predict the effect of sequence changes on RNA splicing suggest that this variant is not likely to affect RNA splicing. In summary, the available evidence is currently insufficient to determine the role of this variant in disease. Therefore, it has been classified as a Variant of Uncertain Significance.

Literature cited by the submitters: PubMed 17576681; PubMed 9536098.

NM_000350.3(ABCA4):c.6816+5C>T

Gene: ABCA4 (ATP binding cassette subfamily A member 4; minus strand). Cytogenetic location: 1p22.1.
Variant type: single nucleotide variant.
Coding change: c.6816+5C>T on transcript NM_000350.3 (MANE Select); 5 bases into the intron after coding-DNA position 6816, C replaced by T.
Molecular consequence: intron variant.
Genome position (GRCh38, 1-based): chr1:93,996,104, G>A on the plus strand (C>T on the coding strand, the complement: ABCA4 is on the minus strand). VCF-style: chr1-93996104-G-A. GRCh37 (hg19) VCF-style: chr1-94461660-G-A.
Identifiers: ClinVar variation 1359129 (VCV001359129.3), dbSNP rs774815742, ClinGen allele CA956780.